The following is an entry in ClinVar:

NM_170682.4(P2RX2):c.42C>T (p.Ala14=)

Gene: P2RX2 (purinergic receptor P2X 2; plus strand). Cytogenetic location: 12q24.33.
Variant type: single nucleotide variant.
Coding change: c.42C>T on transcript NM_170682.4 (MANE Select); coding-DNA position 42, C replaced by T.
Protein change: p.Ala14=; no amino-acid change (alanine 14 retained).
Molecular consequence: synonymous variant.
Genome position (GRCh38, 1-based): chr12:132,618,858, C>T. VCF-style: chr12-132618858-C-T. GRCh37 (hg19) VCF-style: chr12-133195444-C-T.
Other names: c.42C>T, p.Ala14= (NM_001282164.2, NM_001282165.2, NM_012226.5 and 4 more transcripts).
Identifiers: ClinVar variation 737628 (VCV000737628.13), dbSNP rs376966028, ClinGen allele CA6891312.
Genomic context (GRCh38, chr12:132,618,858, plus strand): 5'-GGTGGGGGCCGCCCGCGCCATGGCCGCCGCCCAGCCCAAGTACCCCGCCGGGGCGACCGC[C>T]CGGCGCCTGGCCCGGGGCTGCTGGTCCGCCCTCTGGGACTACGAGACGCCCAAGGTGATC-3'
Protein context (NP_733782.1, residues 4-24): AQPKYPAGAT[Ala14=]RRLARGCWSA

ClinVar aggregate classification (germline): Benign/Likely benign. Review status: criteria provided, multiple submitters, no conflicts (2 of 4 stars). 3 submissions from 3 submitters: Benign (1); Likely benign (1). 1 of the submissions does not count toward it. Last evaluated 2025-10-09.

Conditions:
P2RX2-related disorder. Also called: P2RX2-related condition.

Allele frequency attached by ClinVar (database versions not stated): gnomAD exomes 0.00008 and 0.00021; 1000 Genomes Project 30x 0.00016; ExAC 0.00038; ESP Exome Variant Server 0.00079; gnomAD 0.00085 and 0.00097; TOPMed 0.00098.
gnomAD v4.1: 229 of 1,370,152 alleles (0.017%); highest among the groups gnomAD compares: African/African-American, 0.32%; no homozygotes.

Submissions (3):

Labcorp Genetics (formerly Invitae), Labcorp
Classification: Benign. Last evaluated: 2025-10-09. Review status: criteria provided, single submitter. Criteria: Invitae Variant Classification Sherloc (09022015). Collection method: clinical testing. Allele origin: germline.

GeneDx
Classification: Likely benign. Last evaluated: 2020-03-25. Review status: criteria provided, single submitter. Criteria: GeneDx Variant Classification Process June 2021. Collection method: clinical testing. Allele origin: germline. Affected: yes.

PreventionGenetics, part of Exact Sciences
Classification: Likely benign for P2RX2-related condition. Last evaluated: 2020-01-31. Review status: no assertion criteria provided. Collection method: clinical testing. Allele origin: germline. Not counted in ClinVar's aggregate classification.
Comment: This variant is classified as likely benign based on ACMG/AMP sequence variant interpretation guidelines (Richards et al. 2015 PMID: 25741868, with internal and published modifications).